The following is an entry in ClinVar:

ClinVar aggregate classification (germline): Likely benign. Review status: criteria provided, multiple submitters, no conflicts (2 of 4 stars). 2 submissions from 2 submitters: Likely benign (2). Last evaluated 2026-06-03.

Conditions:
BBS10-related disorder. Also called: BBS10-related condition.
Bardet-Biedl syndrome (BBS). Identifiers: Orphanet 110, MedGen C0752166, MONDO:0015229.

Allele frequency attached by ClinVar (database versions not stated): TOPMed 0.00003.

Submissions (2):

PreventionGenetics, part of Exact Sciences
Classification: Likely benign for BBS10-related condition. Last evaluated: 2026-06-03. Review status: criteria provided, single submitter. Criteria: ACMG Guidelines, 2015. Collection method: clinical testing. Allele origin: germline.
Comment: This variant is classified as likely benign based on ACMG/AMP sequence variant interpretation guidelines (Richards et al. 2015 PMID: 25741868, with internal and published modifications).

Labcorp Genetics (formerly Invitae), Labcorp
Classification: Likely benign for Bardet-Biedl syndrome. Last evaluated: 2024-03-14. Review status: criteria provided, single submitter. Criteria: Invitae Variant Classification Sherloc (09022015). Collection method: clinical testing. Allele origin: germline.

NM_024685.4(BBS10):c.474G>A (p.Ser158=)

Gene: BBS10 (Bardet-Biedl syndrome 10; minus strand). Cytogenetic location: 12q21.2.
Variant type: single nucleotide variant.
Coding change: c.474G>A on transcript NM_024685.4 (MANE Select); coding-DNA position 474, G replaced by A.
Protein change: p.Ser158=; no amino-acid change (serine 158 retained).
Molecular consequence: synonymous variant.
Genome position (GRCh38, 1-based): chr12:76,347,511, C>T on the plus strand (G>A on the coding strand, the complement: BBS10 is on the minus strand). VCF-style: chr12-76347511-C-T. GRCh37 (hg19) VCF-style: chr12-76741291-C-T.
Identifiers: ClinVar variation 702473 (VCV000702473.11), dbSNP rs375436323, ClinGen allele CA6694331.
Genomic context (GRCh38, chr12:76,347,511, plus strand): 5'-AAAGTATGCTTCTAAGAGCAACTCTAAAGAGCTCCTACACAATGTTCTCTCTTTAGCAGA[C>T]GAAAAGATAGACAAAAAGTGTCTACTTAGGTACTGGTCCATAATACCGTCTAATATTTGT-3'
Protein context (NP_078961.3, residues 148-168): YLSRHFLSIF[Ser158=]SAKERTLCRS